The following is an entry in ClinVar:

NM_006031.6(PCNT):c.8786A>G (p.His2929Arg)

Gene: PCNT (pericentrin; plus strand). Cytogenetic location: 21q22.3.
Variant type: single nucleotide variant.
Coding change: c.8786A>G on transcript NM_006031.6 (MANE Select); coding-DNA position 8786, A replaced by G.
Protein change: p.His2929Arg; replaces histidine 2929 with arginine.
Molecular consequence: missense variant.
Genome position (GRCh38, 1-based): chr21:46,435,938, A>G. VCF-style: chr21-46435938-A-G. GRCh37 (hg19) VCF-style: chr21-47855851-A-G.
Other names: c.8195A>G, p.His2732Arg (NM_001315529.2); short protein forms H2732R, H2929R.
Identifiers: ClinVar variation 4811873 (VCV004811873.1).
Genomic context (GRCh38, chr21:46,435,938, plus strand): 5'-CTCTGTCTTTTTTCTGTTAACAACAGCGAGAATTAGAACTGCAGCGTCAGCGTGACTTGC[A>G]TAAGATCAAGCAGCTTCAGCAGACAGTGAGAGACCTGGAGTCGAAGGACGAGGTGCCTGG-3'
Protein context (NP_006022.3, residues 2919-2939): ELELQRQRDL[His2929Arg]KIKQLQQTVR

ClinVar aggregate classification (germline): Uncertain significance (1 of 4 stars; one submission).

gnomAD v4.1: 2 of 1,614,156 alleles (0.00012%); highest among the groups gnomAD compares: Admixed American, 0.0017%; no homozygotes.

Submission:

Labcorp Genetics (formerly Invitae), Labcorp
Classification: Uncertain significance. Last evaluated: 2025-05-08. Review status: criteria provided, single submitter. Criteria: Invitae Variant Classification Sherloc (09022015). Collection method: clinical testing. Allele origin: germline.
Comment: This sequence change replaces histidine, which is basic and polar, with arginine, which is basic and polar, at codon 2929 of the PCNT protein (p.His2929Arg). This variant is not present in population databases (gnomAD no frequency). This variant has not been reported in the literature in individuals affected with PCNT-related conditions. An algorithm developed to predict the effect of missense changes on protein structure and function (PolyPhen-2) suggests that this variant is likely to be disruptive. In summary, the available evidence is currently insufficient to determine the role of this variant in disease. Therefore, it has been classified as a Variant of Uncertain Significance.